The following is an entry in ClinVar:

NM_000321.3(RB1):c.2078A>G (p.Glu693Gly)

Gene: RB1 (RB transcriptional corepressor 1; plus strand). Cytogenetic location: 13q14.2.
Variant type: single nucleotide variant.
Coding change: c.2078A>G on transcript NM_000321.3 (MANE Select); coding-DNA position 2078, A replaced by G.
Protein change: p.Glu693Gly; replaces glutamic acid 693 with glycine.
Molecular consequence: missense variant.
Genome position (GRCh38, 1-based): chr13:48,459,805, A>G. VCF-style: chr13-48459805-A-G. GRCh37 (hg19) VCF-style: chr13-49033941-A-G.
Other names: short protein forms E693G.
Identifiers: ClinVar variation 566774 (VCV000566774.17), dbSNP rs775195256, ClinGen allele CA033921.

ClinVar aggregate classification (germline): Conflicting classifications of pathogenicity. Review status: criteria provided, conflicting classifications (1 of 4 stars). 4 submissions from 4 submitters: Uncertain significance (3); Likely benign (1). Last evaluated 2025-06-13.

Conditions:
Hereditary cancer-predisposing syndrome. Also called: Neoplastic Syndromes, Hereditary; Tumor predisposition; Hereditary neoplastic syndrome; Hereditary Cancer Syndrome. Identifiers: Orphanet 140162, MedGen C0027672, MeSH D009386, MONDO:0015356.
Retinoblastoma (RB1). Also called: RETINOBLASTOMA, SOMATIC. Identifiers: Orphanet 790, MedGen C0035335, MeSH D012175, MONDO:0008380, OMIM 180200, HP:0009919. Disease mechanism: loss of function. Inheritance: Both sporadic and heritable forms are tested..

Allele frequency attached by ClinVar (database versions not stated): gnomAD exomes 0.00001; ExAC 0.00002.
gnomAD v4.1: 11 of 1,613,848 alleles (0.00068%); highest among the groups gnomAD compares: South Asian, 0.0077%; no homozygotes.

Submissions (4):

Color Diagnostics, LLC DBA Color Health
Classification: Uncertain significance for Retinoblastoma. Last evaluated: 2025-06-13. Review status: criteria provided, single submitter. Criteria: ACMG Guidelines, 2015. Collection method: clinical testing. Allele origin: germline.
Comment: This missense variant replaces glutamic acid with glycine at codon 693 of the RB1 protein. Computational prediction suggests that this variant may have deleterious impact on protein structure and function. To our knowledge, functional studies have not been reported for this variant. This variant has not been reported in individuals affected with RB1-related disorders in the literature. This variant has been identified in 2/251480 chromosomes in the general population by the Genome Aggregation Database (gnomAD). The available evidence is insufficient to determine the role of this variant in disease conclusively. Therefore, this variant is classified as a Variant of Uncertain Significance.

Ambry Genetics
Classification: Likely benign for Hereditary cancer-predisposing syndrome. Last evaluated: 2024-12-17. Review status: criteria provided, single submitter. Criteria: Ambry Variant Classification Scheme 2023. Collection method: clinical testing. Allele origin: germline.

Labcorp Genetics (formerly Invitae), Labcorp
Classification: Uncertain significance for Retinoblastoma. Last evaluated: 2024-10-17. Review status: criteria provided, single submitter. Criteria: Invitae Variant Classification Sherloc (09022015). Collection method: clinical testing. Allele origin: germline.
Comment: This sequence change replaces glutamic acid, which is acidic and polar, with glycine, which is neutral and non-polar, at codon 693 of the RB1 protein (p.Glu693Gly). This variant is present in population databases (rs775195256, gnomAD 0.006%). This variant has not been reported in the literature in individuals affected with RB1-related conditions. ClinVar contains an entry for this variant (Variation ID: 566774). Invitae Evidence Modeling of protein sequence and biophysical properties (such as structural, functional, and spatial information, amino acid conservation, physicochemical variation, residue mobility, and thermodynamic stability) indicates that this missense variant is not expected to disrupt RB1 protein function with a negative predictive value of 80%. In summary, the available evidence is currently insufficient to determine the role of this variant in disease. Therefore, it has been classified as a Variant of Uncertain Significance.

All of Us Research Program, National Institutes of Health
Classification: Uncertain significance for Retinoblastoma. Last evaluated: 2023-04-03. Review status: criteria provided, single submitter. Criteria: ACMG Guidelines, 2015. Collection method: clinical testing. Allele origin: germline. Inheritance: Autosomal dominant inheritance. Observed: 1 variant allele, 1 heterozygote.
Comment: This missense variant replaces glutamic acid with glycine at codon 693 of the RB1 protein. Computational prediction suggests that this variant may have deleterious impact on protein structure and function (internally defined REVEL score threshold >= 0.7, PMID: 27666373). To our knowledge, functional studies have not been reported for this variant. This variant has not been reported in individuals affected with RB1-related disorders in the literature. This variant has been identified in 2/251480 chromosomes in the general population by the Genome Aggregation Database (gnomAD). The available evidence is insufficient to determine the role of this variant in disease conclusively. Therefore, this variant is classified as a Variant of Uncertain Significance.

This study involves interpretation of variants in research participants for the purpose of population health screening. Participant phenotype was not available at the time of variant classification. Additional details can be found in publication PMID: 35346344, PMCID: PMC8962531